The following is an entry in ClinVar:

NM_001029883.3(PCARE):c.3023G>A (p.Arg1008Lys)

Gene: PCARE (photoreceptor cilium actin regulator; minus strand). Cytogenetic location: 2p23.2.
Variant type: single nucleotide variant.
Coding change: c.3023G>A on transcript NM_001029883.3 (MANE Select); coding-DNA position 3023, G replaced by A.
Protein change: p.Arg1008Lys; replaces arginine 1008 with lysine.
Molecular consequence: missense variant.
Genome position (GRCh38, 1-based): chr2:29,071,239, C>T on the plus strand (G>A on the coding strand, the complement: PCARE is on the minus strand). VCF-style: chr2-29071239-C-T. GRCh37 (hg19) VCF-style: chr2-29294105-C-T.
Other names: short protein forms R1008K.
Identifiers: ClinVar variation 1062776 (VCV001062776.8), dbSNP rs1409675064, ClinGen allele CA346475950.

ClinVar aggregate classification (germline): Uncertain significance (1 of 4 stars; one submission).

Allele frequency attached by ClinVar (database versions not stated): gnomAD exomes below 0.00001 and 0.00001; TOPMed below 0.00001; gnomAD 0.00001.

Submission:

Labcorp Genetics (formerly Invitae), Labcorp
Classification: Uncertain significance. Last evaluated: 2024-10-19. Review status: criteria provided, single submitter. Criteria: Invitae Variant Classification Sherloc (09022015). Collection method: clinical testing. Allele origin: germline.
Comment: This sequence change replaces arginine, which is basic and polar, with lysine, which is basic and polar, at codon 1008 of the PCARE protein (p.Arg1008Lys). This variant is present in population databases (no rsID available, gnomAD 0.003%). This variant has not been reported in the literature in individuals affected with PCARE-related conditions. ClinVar contains an entry for this variant (Variation ID: 1062776). An algorithm developed to predict the effect of missense changes on protein structure and function outputs the following: PolyPhen-2: "Benign". The lysine amino acid residue is found in multiple mammalian species, which suggests that this missense change does not adversely affect protein function. In summary, the available evidence is currently insufficient to determine the role of this variant in disease. Therefore, it has been classified as a Variant of Uncertain Significance.